The following is an entry in ClinVar:

ClinVar aggregate classification (germline): Uncertain significance (1 of 4 stars; one submission).

Conditions:
Amyotrophic lateral sclerosis type 4 (ALS4). Also called: NEURONOPATHY, DISTAL HEREDITARY MOTOR, WITH PYRAMIDAL FEATURES; AMYOTROPHIC LATERAL SCLEROSIS 4, JUVENILE. Identifiers: Orphanet 357043, MedGen C1865409, MONDO:0011223, OMIM 602433.

Submission:

Victorian Clinical Genetics Services, Murdoch Childrens Research Institute
Classification: Uncertain significance for Amyotrophic lateral sclerosis type 4. Last evaluated: 2025-10-29. Review status: criteria provided, single submitter. Criteria: ACMG Guidelines, 2015. Collection method: clinical testing. Allele origin: germline. Affected: yes.
Comment: This variant is classified as VUS-3B. Evidence in support of pathogenic classification: Variant is absent from gnomAD (v2, v3 and v4). Additional information: Variant is predicted to result in a missense amino acid change from Leu to Val; This variant is heterozygous; This gene is associated with both recessive and dominant disease. Missense variants with a suspected toxic gain of function mechanism have been reported to cause dominant amyotrophic lateral sclerosis 4, juvenile (MIM#602433). Biallelic null and missense variants with a likely loss of function mechanism, have been reported in individuals with spinocerebellar ataxia, autosomal recessive, with axonal neuropathy 2 (MIM#606002) (OMIM, PMID: 23129421); This variant has no previous evidence of pathogenicity; No published evidence of segregation with disease has been identified for this variant; No published functional evidence has been identified for this variant; No comparable missense variants have previous evidence for pathogenicity; Variant is not located in an established domain, motif, hotspot or informative constraint region; Missense variant with inconclusive in silico prediction and uninformative conservation; Loss of function is a known mechanism of disease in this gene and is associated with spinocerebellar ataxia, autosomal recessive, with axonal neuropathy 2 (MIM#606002). Toxic gain of function is a suspected mechanism for amyotrophic lateral sclerosis 4, juvenile (MIM#602433); Variants in this gene are known to have variable expressivity in individuals with spinocerebellar ataxia with axonal neuropathy 2 (MIM# 606002) (OMIM); Inheritance information for this variant is not currently available in this individual.

Literature cited by the submitters: PubMed 23129421.

NM_015046.7(SETX):c.1684C>G (p.Leu562Val)

Gene: SETX (senataxin; minus strand). Cytogenetic location: 9q34.13.
Variant type: single nucleotide variant.
Coding change: c.1684C>G on transcript NM_015046.7 (MANE Select); coding-DNA position 1684, C replaced by G.
Protein change: p.Leu562Val; replaces leucine 562 with valine.
Molecular consequence: missense variant.
Genome position (GRCh38, 1-based): chr9:132,329,914, G>C on the plus strand (C>G on the coding strand, the complement: SETX is on the minus strand). VCF-style: chr9-132329914-G-C. GRCh37 (hg19) VCF-style: chr9-135205301-G-C.
Other names: c.1684C>G, p.Leu562Val (NM_001351527.2, NM_001351528.2); short protein forms L562V.
Identifiers: ClinVar variation 4532120 (VCV004532120.1).